The following is an entry in ClinVar:

NM_001378615.1(CC2D2A):c.991G>A (p.Glu331Lys)

Genes: FBXL5 (F-box and leucine rich repeat protein 5; minus strand), CC2D2A (coiled-coil and C2 domain containing 2A; plus strand). Cytogenetic location: 4p15.32.
Variant type: single nucleotide variant.
Coding change: c.991G>A on transcript NM_001378615.1 (MANE Select); coding-DNA position 991, G replaced by A.
Protein change: p.Glu331Lys; replaces glutamic acid 331 with lysine.
Molecular consequence: missense variant.
Genome position (GRCh38, 1-based): chr4:15,515,978, G>A. VCF-style: chr4-15515978-G-A. GRCh37 (hg19) VCF-style: chr4-15517601-G-A.
Other names: c.991G>A, p.Glu331Lys (NM_001080522.2); c.844G>A, p.Glu282Lys (NM_001378617.1); short protein forms E331K, E282K.
Identifiers: ClinVar variation 1407295 (VCV001407295.3), dbSNP rs954758606, ClinGen allele CA92512952.
Genomic context (GRCh38, chr4:15,515,978, plus strand): 5'-GATGAAGGCCTTTACACCGGGGTAAGACCAGAGGTGGCACGCACCAATCAGAACATCATG[G>A]AGAACAGATTGCTGATGCAGGACCCCGTAAGTGTGCACCCTCTGCTCTCAGGTGTAGCCT-3'
Protein context (NP_001365544.1, residues 321-341): EVARTNQNIM[Glu331Lys]NRLLMQDPER

ClinVar aggregate classification (germline): Uncertain significance (1 of 4 stars; one submission).

Conditions:
Joubert syndrome. Also called: JOUBERT-BOLTSHAUSER SYNDROME; Familial aplasia of the vermis. Identifiers: Orphanet 475, MedGen C5979921, MONDO:0018772.
Meckel-Gruber syndrome. Also called: DYSENCEPHALIA SPLANCHNOCYSTICA; GRUBER SYNDROME; Dysencephalia splachnocystica. Identifiers: Orphanet 564, MedGen C0265215, MONDO:0018921.

Allele frequency attached by ClinVar (database versions not stated): gnomAD exomes below 0.00001; TOPMed 0.00001.
gnomAD v4.1: 3 of 1,590,284 alleles (0.00019%); highest among the groups gnomAD compares: Non-Finnish European, 0.00026%; no homozygotes.

Submission:

Labcorp Genetics (formerly Invitae), Labcorp
Classification: Uncertain significance for Joubert syndrome; Meckel-Gruber syndrome. Last evaluated: 2021-11-27. Review status: criteria provided, single submitter. Criteria: Invitae Variant Classification Sherloc (09022015). Collection method: clinical testing. Allele origin: germline.
Comment: This sequence change replaces glutamic acid, which is acidic and polar, with lysine, which is basic and polar, at codon 331 of the CC2D2A protein (p.Glu331Lys). This variant is not present in population databases (gnomAD no frequency). This variant has not been reported in the literature in individuals affected with CC2D2A-related conditions. Advanced modeling of protein sequence and biophysical properties (such as structural, functional, and spatial information, amino acid conservation, physicochemical variation, residue mobility, and thermodynamic stability) performed at Invitae indicates that this missense variant is expected to disrupt CC2D2A protein function. In summary, the available evidence is currently insufficient to determine the role of this variant in disease. Therefore, it has been classified as a Variant of Uncertain Significance.